The following is an entry in ClinVar:

ClinVar aggregate classification (germline): Pathogenic (1 of 4 stars; one submission).

Conditions:
Familial adenomatous polyposis 1 (FAP1). Also called: FAMILIAL ADENOMATOUS POLYPOSIS 1, ATTENUATED; POLYPOSIS, ADENOMATOUS INTESTINAL. Identifiers: MedGen C2713442, MONDO:0021056, OMIM 175100. Disease mechanism: loss of function.

Submission:

Myriad Genetics, Inc.
Classification: Pathogenic for Familial adenomatous polyposis 1. Last evaluated: 2023-05-08. Review status: criteria provided, single submitter. Criteria: Myriad Autosomal Dominant, Autosomal Recessive and X-Linked Classification Criteria (2023). Collection method: clinical testing. Allele origin: unknown.
Comment: This variant is considered pathogenic. This variant creates a frameshift predicted to result in premature protein truncation.

NM_000038.6(APC):c.3216_3217dup (p.Thr1073fs)

Gene: APC (APC regulator of Wnt signaling pathway; plus strand). Cytogenetic location: 5q22.2.
Variant type: Duplication.
Coding change: c.3216_3217dup on transcript NM_000038.6 (MANE Select); coding-DNA positions 3216 to 3217, 2 bases duplicated (TA; older notation c.3216_3217dupTA).
Protein change: p.Thr1073fs; shifts the reading frame from threonine 1073.
Molecular consequence: frameshift variant. On other transcripts: non-coding transcript variant (2).
Genome position (GRCh38, 1-based): chr5:112,838,810-112,838,811, TA duplicated. VCF-style (leftmost placement, unchanged base first): chr5-112838809-G-GTA. GRCh37 (hg19) VCF-style: chr5-112174506-G-GTA.
Other names: c.3216_3217dup, p.Thr1073fs (NM_001127510.3, NM_001354895.2, NM_001407450.1); c.3162_3163dup, p.Thr1055fs (NM_001127511.3); c.3270_3271dup, p.Thr1091fs (NM_001354896.2, NM_001407447.1, NM_001407448.1 and 1 more transcripts); c.3246_3247dup, p.Thr1083fs (NM_001354897.2); c.3141_3142dup, p.Thr1048fs (NM_001354898.2); c.3132_3133dup, p.Thr1045fs (NM_001354899.2); c.3093_3094dup, p.Thr1032fs (NM_001354900.2); c.3039_3040dup, p.Thr1014fs (NM_001354901.2, NM_001407453.1); and 11 more; short protein forms T1014fs, T1032fs, T1045fs, T1048fs, T1055fs, T1063fs, T1066fs, T1073fs.
Identifiers: ClinVar variation 2583902 (VCV002583902.2), dbSNP rs2533480681, ClinGen allele CA2582341497.